The following is an entry in ClinVar:

NM_001370259.2(MEN1):c.625C>T (p.Gln209Ter)

Gene: MEN1 (menin 1; minus strand). Cytogenetic location: 11q13.1.
Variant type: single nucleotide variant.
Coding change: c.625C>T on transcript NM_001370259.2 (MANE Select); coding-DNA position 625, C replaced by T.
Protein change: p.Gln209Ter; replaces glutamine 209 with a stop codon.
Molecular consequence: nonsense. On other transcripts: intron variant (2).
Genome position (GRCh38, 1-based): chr11:64,807,920, G>A on the plus strand (C>T on the coding strand, the complement: MEN1 is on the minus strand). VCF-style: chr11-64807920-G-A. GRCh37 (hg19) VCF-style: chr11-64575392-G-A.
Other names: c.549+76C>T (NM_001370262.2, NM_001370263.2); c.640C>T, p.Gln214Ter (NM_000244.4, NM_130800.3, NM_130801.3 and 3 more transcripts); c.625C>T, p.Gln209Ter (NM_001370251.2, NM_001370260.2, NM_001370261.2 and 1 more transcripts); short protein forms Q214*, Q209*.
Identifiers: ClinVar variation 571001 (VCV000571001.8), dbSNP rs1565647767, ClinGen allele CA381185382.

ClinVar aggregate classification (germline): Pathogenic (1 of 4 stars; one submission).

Conditions:
Multiple endocrine neoplasia, type 1 (MEN1). Also called: WERMER SYNDROME; Endocrine adenomatosis multiple; MEN 1; MEA I; MEN I. Identifiers: Orphanet 652, MedGen C0025267, MeSH D018761, MONDO:0007540, OMIM 131100.

Submission:

Labcorp Genetics (formerly Invitae), Labcorp
Classification: Pathogenic for Multiple endocrine neoplasia, type 1. Last evaluated: 2018-02-14. Review status: criteria provided, single submitter. Criteria: Invitae Variant Classification Sherloc (09022015). Collection method: clinical testing. Allele origin: germline.
Comment: Loss-of-function variants in MEN1 are known to be pathogenic (PMID: 12112656, 17853334). This sequence change creates a premature translational stop signal (p.Gln209*) in the MEN1 gene. It is expected to result in an absent or disrupted protein product. This variant is not present in population databases (ExAC no frequency). This variant has been reported in an individual affected with multiple endocrine neoplasia type 1 (PMID: 10439966). For these reasons, this variant has been classified as Pathogenic.

Literature cited by the submitters: PubMed 12112656; PubMed 17853334; PubMed 10439966.